The following is an entry in ClinVar:

NM_000383.4(AIRE):c.1401G>T (p.Gly467=)

Gene: AIRE (autoimmune regulator; plus strand). Cytogenetic location: 21q22.3.
Variant type: single nucleotide variant.
Coding change: c.1401G>T on transcript NM_000383.4 (MANE Select); coding-DNA position 1401, G replaced by T.
Protein change: p.Gly467=; no amino-acid change (glycine 467 retained).
Molecular consequence: synonymous variant.
Genome position (GRCh38, 1-based): chr21:44,294,401, G>T. VCF-style: chr21-44294401-G-T. GRCh37 (hg19) VCF-style: chr21-45714284-G-T.
Identifiers: ClinVar variation 2196728 (VCV002196728.1), dbSNP rs769515721, ClinGen allele CA10052120.
Genomic context (GRCh38, chr21:44,294,401, plus strand): 5'-CCCCGGAGGTGGCACTCCTGCTCCCCCCCAGGGCTGGCAGCCCCTCATCCTCTGCTGCAG[G>T]ACGGGCCTGCGCTGCAGATCCTGCTCAGGAGACGTGACCCCAGCCCCTGTGGAGGGGGTG-3'
Protein context (NP_000374.1, residues 457-477): CHFPAGTSRP[Gly467=]TGLRCRSCSG

ClinVar aggregate classification (germline): Uncertain significance (1 of 4 stars; one submission).

Conditions:
Polyglandular autoimmune syndrome, type 1 (APS1). Also called: PGA I; Autoimmune polyendocrinopathy syndrome , type I, with or without reversible metaphyseal dysplasia; HYPOADRENOCORTICISM WITH HYPOPARATHYROIDISM AND SUPERFICIAL MONILIASIS; Autoimmune polyendocrine syndrome type 1; Autoimmune polyendocrinopathy syndrome, type I; AUTOIMMUNE POLYENDOCRINE SYNDROME, TYPE I, WITH OR WITHOUT REVERSIBLE METAPHYSEAL DYSPLASIA. Identifiers: Orphanet 3453, MedGen C0085859, MONDO:0009411, OMIM 240300.

Allele frequency attached by ClinVar (database versions not stated): TOPMed below 0.00001; gnomAD 0.00001; gnomAD exomes 0.00001; ExAC 0.00008.
gnomAD v4.1: 21 of 1,567,906 alleles (0.0013%); highest among the groups gnomAD compares: Non-Finnish European, 0.0018%; no homozygotes.

Submission:

Labcorp Genetics (formerly Invitae), Labcorp
Classification: Uncertain significance for Polyglandular autoimmune syndrome, type 1. Last evaluated: 2022-08-22. Review status: criteria provided, single submitter. Criteria: Invitae Variant Classification Sherloc (09022015). Collection method: clinical testing. Allele origin: germline.
Comment: This sequence change affects codon 467 of the AIRE mRNA. It is a 'silent' change, meaning that it does not change the encoded amino acid sequence of the AIRE protein. It affects a nucleotide within the consensus splice site. The frequency data for this variant in the population databases is considered unreliable, as metrics indicate poor data quality at this position in the gnomAD database. This variant has not been reported in the literature in individuals affected with AIRE-related conditions. Algorithms developed to predict the effect of sequence changes on RNA splicing suggest that this variant may disrupt the consensus splice site. In summary, the available evidence is currently insufficient to determine the role of this variant in disease. Therefore, it has been classified as a Variant of Uncertain Significance.